The following is an entry in ClinVar:

ClinVar aggregate classification (germline): Uncertain significance. Review status: criteria provided, multiple submitters, no conflicts (2 of 4 stars). 2 submissions from 2 submitters: Uncertain significance (2). Last evaluated 2025-12-15.

Conditions:
Inborn genetic diseases. Identifiers: MedGen C0950123, MeSH D030342.
Early-infantile DEE. Also called: Early infantile epileptic encephalopathy with suppression bursts; Early infantile epileptic encephalopathy; Ohtahara syndrome. Identifiers: Orphanet 1934, MedGen C0393706, MONDO:0800491.

Allele frequency attached by ClinVar (database versions not stated): gnomAD exomes below 0.00001; gnomAD 0.00001; TOPMed 0.00001.
gnomAD v4.1: 2 of 1,613,192 alleles (0.00012%); highest among the groups gnomAD compares: East Asian, 0.0045%; no homozygotes.

Submissions (2):

Labcorp Genetics (formerly Invitae), Labcorp
Classification: Uncertain significance for Early-infantile DEE. Last evaluated: 2025-12-15. Review status: criteria provided, single submitter. Criteria: Invitae Variant Classification Sherloc (09022015). Collection method: clinical testing. Allele origin: germline.
Comment: This sequence change replaces glutamine, which is neutral and polar, with histidine, which is basic and polar, at codon 83 of the KCNH5 protein (p.Gln83His). This variant is present in population databases (no rsID available, gnomAD 0.06%). This variant has not been reported in the literature in individuals affected with KCNH5-related conditions. ClinVar contains an entry for this variant (Variation ID: 1354806). Invitae Evidence Modeling of protein sequence and biophysical properties (such as structural, functional, and spatial information, amino acid conservation, physicochemical variation, residue mobility, and thermodynamic stability) indicates that this missense variant is not expected to disrupt KCNH5 protein function with a negative predictive value of 80%. In summary, the available evidence is currently insufficient to determine the role of this variant in disease. Therefore, it has been classified as a Variant of Uncertain Significance.

Ambry Genetics
Classification: Uncertain significance for Inborn genetic diseases. Last evaluated: 2025-05-26. Review status: criteria provided, single submitter. Criteria: Ambry Variant Classification Scheme 2023. Collection method: clinical testing. Allele origin: germline.

NM_139318.5(KCNH5):c.249A>C (p.Gln83His)

Gene: KCNH5 (potassium voltage-gated channel subfamily H member 5; minus strand). Cytogenetic location: 14q23.2.
Variant type: single nucleotide variant.
Coding change: c.249A>C on transcript NM_139318.5 (MANE Select); coding-DNA position 249, A replaced by C.
Protein change: p.Gln83His; replaces glutamine 83 with histidine.
Molecular consequence: missense variant.
Genome position (GRCh38, 1-based): chr14:63,006,421, T>G on the plus strand (A>C on the coding strand, the complement: KCNH5 is on the minus strand). VCF-style: chr14-63006421-T-G. GRCh37 (hg19) VCF-style: chr14-63473139-T-G.
Other names: c.249A>C (NM_139318.3); c.249A>C, p.Gln83His (NM_172375.3); short protein forms Q83H.
Identifiers: ClinVar variation 1354806 (VCV001354806.10), dbSNP rs1051611713, ClinGen allele CA262409463.